The following is an entry in ClinVar:

NM_152783.5(D2HGDH):c.1037A>C (p.Asn346Thr)

Gene: D2HGDH (D-2-hydroxyglutarate dehydrogenase; plus strand). Cytogenetic location: 2q37.3.
Variant type: single nucleotide variant.
Coding change: c.1037A>C on transcript NM_152783.5 (MANE Select); coding-DNA position 1037, A replaced by C.
Protein change: p.Asn346Thr; replaces asparagine 346 with threonine.
Molecular consequence: missense variant.
Genome position (GRCh38, 1-based): chr2:241,751,285, A>C. VCF-style: chr2-241751285-A-C. GRCh37 (hg19) VCF-style: chr2-242690700-A-C.
Other names: c.635A>C, p.Asn212Thr (NM_001287249.2); c.476A>C, p.Asn159Thr (NM_001352824.2); short protein forms N159T, N212T, N346T.
Identifiers: ClinVar variation 4685269 (VCV004685269.2).
Genomic context (GRCh38, chr2:241,751,285, plus strand): 5'-GCCTTCCTTGCTCACTTCTAGAGAGTCCGTTTTACGTCCTCATCGAGACTTCAGGCTCCA[A>C]CGCAGGCCATGACGCTGAGAAGCTGGGCCACTTCCTGGAGCACGCGCTGGGCTCCGGCCT-3'
Protein context (NP_689996.4, residues 336-356): FYVLIETSGS[Asn346Thr]AGHDAEKLGH

ClinVar aggregate classification (germline): Conflicting classifications of pathogenicity. Review status: criteria provided, conflicting classifications (1 of 4 stars). 2 submissions from 2 submitters: Uncertain significance (1); Likely benign (1). Last evaluated 2026-01-25.

Conditions:
D-2-hydroxyglutaric aciduria 1 (D2HGA1). Identifiers: Orphanet 79315, MedGen C3152055, MONDO:0024554, OMIM 600721.

gnomAD v4.1: 59 of 1,613,892 alleles (0.0037%); highest among the groups gnomAD compares: East Asian, 0.094%; no homozygotes.

Submissions (2):

Labcorp Genetics (formerly Invitae), Labcorp
Classification: Likely benign for D-2-hydroxyglutaric aciduria 1. Last evaluated: 2026-01-25. Review status: criteria provided, single submitter. Criteria: Invitae Variant Classification Sherloc (09022015). Collection method: clinical testing. Allele origin: germline.

GeneDx
Classification: Uncertain significance. Last evaluated: 2025-07-09. Review status: criteria provided, single submitter. Criteria: GeneDx Variant Classification Process June 2021. Collection method: clinical testing. Allele origin: germline. Affected: yes.
Comment: In silico analysis supports that this missense variant has a deleterious effect on protein structure/function; Has not been previously published as pathogenic or benign to our knowledge